The following is an entry in ClinVar:

ClinVar aggregate classification (germline): Uncertain significance (1 of 4 stars; one submission).

Conditions:
Primary ciliary dyskinesia. Also called: Ciliary dyskinesia. Identifiers: Orphanet 244, MedGen C0008780, MONDO:0016575, HP:0012265.

Submission:

Labcorp Genetics (formerly Invitae), Labcorp
Classification: Uncertain significance for Primary ciliary dyskinesia. Last evaluated: 2020-10-27. Review status: criteria provided, single submitter. Criteria: Invitae Variant Classification Sherloc (09022015). Collection method: clinical testing. Allele origin: germline.
Comment: In summary, the available evidence is currently insufficient to determine the role of this variant in disease. Therefore, it has been classified as a Variant of Uncertain Significance. Algorithms developed to predict the effect of missense changes on protein structure and function (SIFT, PolyPhen-2, Align-GVGD) all suggest that this variant is likely to be tolerated, but these predictions have not been confirmed by published functional studies and their clinical significance is uncertain. This variant has not been reported in the literature in individuals with DNAAF3-related conditions. This variant is not present in population databases (ExAC no frequency). This sequence change replaces asparagine with threonine at codon 531 of the DNAAF3 protein (p.Asn531Thr). The asparagine residue is weakly conserved and there is a small physicochemical difference between asparagine and threonine.

NM_001256715.2(DNAAF3):c.1391A>C (p.Asn464Thr)

Gene: DNAAF3 (dynein axonemal assembly factor 3; minus strand). Cytogenetic location: 19q13.42.
Variant type: single nucleotide variant.
Coding change: c.1391A>C on transcript NM_001256715.2 (MANE Select); coding-DNA position 1391, A replaced by C.
Protein change: p.Asn464Thr; replaces asparagine 464 with threonine.
Molecular consequence: missense variant.
Genome position (GRCh38, 1-based): chr19:55,159,297, T>G on the plus strand (A>C on the coding strand, the complement: DNAAF3 is on the minus strand). VCF-style: chr19-55159297-T-G. GRCh37 (hg19) VCF-style: chr19-55670665-T-G.
Other names: c.1229A>C, p.Asn410Thr (NM_001256716.2); c.1532A>C, p.Asn511Thr (NM_178837.4); c.1592A>C, p.Asn531Thr (NM_001256714.1); short protein forms N511T, N464T, N410T, N531T.
Identifiers: ClinVar variation 939936 (VCV000939936.10), dbSNP rs2085774021, ClinGen allele CA407446445.